The following is an entry in ClinVar:

NM_182961.4(SYNE1):c.16421C>A (p.Ser5474Ter)

Gene: SYNE1 (spectrin repeat containing nuclear envelope protein 1; minus strand). Cytogenetic location: 6q25.2.
Variant type: single nucleotide variant.
Coding change: c.16421C>A on transcript NM_182961.4 (MANE Select); coding-DNA position 16421, C replaced by A.
Protein change: p.Ser5474Ter; replaces serine 5474 with a stop codon.
Molecular consequence: nonsense.
Genome position (GRCh38, 1-based): chr6:152,318,232, G>T on the plus strand (C>A on the coding strand, the complement: SYNE1 is on the minus strand). VCF-style: chr6-152318232-G-T. GRCh37 (hg19) VCF-style: chr6-152639367-G-T.
Other names: c.16208C>A, p.Ser5403Ter (NM_033071.5); short protein forms S5403*, S5474*.
Identifiers: ClinVar variation 212339 (VCV000212339.7), dbSNP rs797046024, ClinGen allele CA277222.

ClinVar aggregate classification (germline): Pathogenic/Likely pathogenic. Review status: criteria provided, multiple submitters, no conflicts (2 of 4 stars). 2 submissions from 2 submitters: Pathogenic (1); Likely pathogenic (1). Last evaluated 2020-07-15.

Conditions:
Autosomal recessive ataxia, Beauce type. Also called: SYNE1-Related Autosomal Recessive Cerebellar Ataxia; ATAXIA, RECESSIVE, OF BEAUCE; Spinocerebellar ataxia, autosomal recessive 8; SYNE1 Deficiency. Identifiers: Orphanet 88644, MedGen C1853116, MONDO:0012549, OMIM 610743.

Submissions (2):

Athena Diagnostics
Classification: Likely pathogenic. Last evaluated: 2020-07-15. Review status: criteria provided, single submitter. Criteria: Athena Diagnostics Criteria. Collection method: clinical testing. Allele origin: unknown.
Comment: The variant creates a premature nonsense codon, and is therefore predicted to result in the loss of a functional protein. Not found in the total gnomAD dataset, and the data is high quality.

Genetic Services Laboratory, University of Chicago
Classification: Pathogenic for Spinocerebellar ataxia, autosomal recessive 8. Last evaluated: 2015-02-13. Review status: criteria provided, single submitter. Criteria: ACMG Guidelines, 2015. Collection method: clinical testing. Allele origin: germline. Affected: yes.